The following is an entry in ClinVar:

ClinVar aggregate classification (germline): Uncertain significance (1 of 4 stars; one submission).

Conditions:
Charcot-Marie-Tooth disease type 2. Also called: Charcot-Marie-Tooth type 2. Identifiers: Orphanet 64746, MedGen C0270914, MONDO:0018993.

Submission:

Labcorp Genetics (formerly Invitae), Labcorp
Classification: Uncertain significance for Charcot-Marie-Tooth disease type 2. Last evaluated: 2022-01-28. Review status: criteria provided, single submitter. Criteria: Invitae Variant Classification Sherloc (09022015). Collection method: clinical testing. Allele origin: germline.
Comment: This sequence change replaces proline, which is neutral and non-polar, with alanine, which is neutral and non-polar, at codon 629 of the GARS protein (p.Pro629Ala). This variant is not present in population databases (gnomAD no frequency). This variant has not been reported in the literature in individuals affected with GARS-related conditions. Algorithms developed to predict the effect of missense changes on protein structure and function (SIFT, PolyPhen-2, Align-GVGD) all suggest that this variant is likely to be disruptive. In summary, the available evidence is currently insufficient to determine the role of this variant in disease. Therefore, it has been classified as a Variant of Uncertain Significance.

NM_002047.4(GARS1):c.1885C>G (p.Pro629Ala)

Gene: GARS1 (glycyl-tRNA synthetase 1; plus strand). Cytogenetic location: 7p14.3.
Variant type: single nucleotide variant.
Coding change: c.1885C>G on transcript NM_002047.4 (MANE Select); coding-DNA position 1885, C replaced by G.
Protein change: p.Pro629Ala; replaces proline 629 with alanine.
Molecular consequence: missense variant.
Genome position (GRCh38, 1-based): chr7:30,631,523, C>G. VCF-style: chr7-30631523-C-G. GRCh37 (hg19) VCF-style: chr7-30671139-C-G.
Other names: c.1723C>G, p.Pro575Ala (NM_001316772.1); short protein forms P575A, P629A.
Identifiers: ClinVar variation 2090701 (VCV002090701.4), dbSNP rs1306671434, ClinGen allele CA367130147.
Genomic context (GRCh38, chr7:30,631,523, plus strand): 5'-GCTGTAGTTGCTCCATTCAAATGTTCCGTCCTCCCACTGAGCCAAAACCAGGAGTTCATG[C>G]CATTTGTCAAGGAATTATGTAAGCAAATTCAATTGGGTAAACTCCATGGGAACACCATCA-3'
Protein context (NP_002038.2, residues 619-639): LPLSQNQEFM[Pro629Ala]FVKELSEALT